The following is an entry in ClinVar:

NM_024422.6(DSC2):c.2323G>A (p.Gly775Arg)

Gene: DSC2 (desmocollin 2; minus strand). Cytogenetic location: 18q12.1.
Variant type: single nucleotide variant.
Coding change: c.2323G>A on transcript NM_024422.6 (MANE Select); coding-DNA position 2323, G replaced by A.
Protein change: p.Gly775Arg; replaces glycine 775 with arginine.
Molecular consequence: missense variant.
Genome position (GRCh38, 1-based): chr18:31,069,079, C>T on the plus strand (G>A on the coding strand, the complement: DSC2 is on the minus strand). VCF-style: chr18-31069079-C-T. GRCh37 (hg19) VCF-style: chr18-28649045-C-T.
Other names: c.1894G>A, p.Gly632Arg (NM_001406506.1, NM_001406507.1); c.2323G>A, p.Gly775Arg (NM_004949.5); short protein forms G632R, G775R.
Identifiers: ClinVar variation 4759024 (VCV004759024.1).
Genomic context (GRCh38, chr18:31,069,079, plus strand): 5'-CCGAGGTCTGGTGTCCTCCTTTCACCATTTCGATGGTCTCCTGACCTCCGTTTTTGATTC[C>T]TGATCCCACGGTGCCACAAACTCCCTGAGCAGAAGCGCCCACAGTTTGGGTTGTGAAGCC-3'
Protein context (NP_077740.1, residues 765-785): AQGVCGTVGS[Gly775Arg]IKNGGQETIE

ClinVar aggregate classification (germline): Uncertain significance (1 of 4 stars; one submission).

Conditions:
Cardiomyopathy (CMYO). Also called: Cardiomyopathies. Identifiers: Orphanet 167848, MedGen C0878544, MONDO:0004994, HP:0001638. Inheritance: Various modes of inheritance.

Submission:

Color Diagnostics, LLC DBA Color Health
Classification: Uncertain significance for Cardiomyopathy. Last evaluated: 2025-07-28. Review status: criteria provided, single submitter. Criteria: ACMG Guidelines, 2015. Collection method: clinical testing. Allele origin: germline.
Comment: This missense variant replaces glycine with arginine at codon 775 of the DSC2 protein. Computational prediction suggests that this variant may not impact protein structure and function. To our knowledge, functional studies have not been reported for this variant. This variant has not been reported in individuals affected with DSC2-related disorders in the literature. This variant has not been identified in the general population by the Genome Aggregation Database (gnomAD). The available evidence is insufficient to determine the role of this variant in disease conclusively. Therefore, this variant is classified as a Variant of Uncertain Significance.